The following is an entry in ClinVar:

NM_001370100.5(ZMYND11):c.383del (p.Ser128fs)

Gene: ZMYND11 (zinc finger MYND-type containing 11; plus strand). Cytogenetic location: 10p15.3.
Variant type: Deletion.
Coding change: c.383del on transcript NM_001370100.5 (MANE Select); coding-DNA position 383, one base deleted (C; older notation c.383delC).
Protein change: p.Ser128fs; shifts the reading frame from serine 128.
Molecular consequence: frameshift variant. On other transcripts: intron variant (18), non-coding transcript variant (1).
Genome position (GRCh38, 1-based): chr10:221,301, C deleted. VCF-style (leftmost placement, unchanged base first): chr10-221300-TC-T. GRCh37 (hg19) VCF-style: chr10-267240-TC-T.
Other names: c.383del, p.Ser128fs (NM_001202468.1, NM_001370097.3, NM_001370098.2 and 10 more transcripts); c.332del, p.Ser111fs (NM_001330057.3, NM_001370112.2); c.317del, p.Ser106fs (NM_001370116.2); c.263del, p.Ser88fs (NM_001370118.2); c.276+11253del (NM_001370108.2, NM_001370111.2, NM_001370110.2 and 11 more transcripts); c.225+11253del (NM_001370123.2); c.156+11253del (NM_001370121.2); c.210+11253del (NM_001370120.2); and 1 more; short protein forms S128fs, S88fs, S106fs, S111fs.
Identifiers: ClinVar variation 431092 (VCV000431092.3), dbSNP rs1135401771, ClinGen allele CA645372877.

ClinVar aggregate classification (germline): Pathogenic (1 of 4 stars; one submission).

Conditions:
Intellectual developmental disorder, autosomal dominant 30, with speech delay and behavioral abnormalities. Also called: Intellectual disability, autosomal dominant 30. Identifiers: Orphanet 436151, MedGen C4015167, MONDO:0014486, OMIM 616083.

Submission:

Institute of Human Genetics, FAU Erlangen, Friedrich-Alexander-Universität Erlangen-Nürnberg
Classification: Pathogenic for Intellectual developmental disorder, autosomal dominant 30, with speech delay and behavioral abnormalities. Last evaluated: 2017-08-01. Review status: criteria provided, single submitter. Criteria: ACMG Guidelines, 2015. Collection method: clinical testing. Allele origin: paternal. Inheritance: Autosomal dominant inheritance. Affected: yes. Observed: 1 variant allele, 1 heterozygote.